The following is an entry in ClinVar:

NM_172351.3(CD46):c.*1435T>C

Gene: CD46 (CD46 molecule; plus strand). Cytogenetic location: 1q32.2.
Variant type: single nucleotide variant.
Coding change: c.*1435T>C on transcript NM_172351.3 (MANE Select); 1435 bases downstream of the stop codon, T replaced by C.
Molecular consequence: 3 prime UTR variant.
Genome position (GRCh38, 1-based): chr1:207,794,912, T>C. VCF-style: chr1-207794912-T-C. GRCh37 (hg19) VCF-style: chr1-207968257-T-C.
Other names: c.*1435T>C (LRG_155t1, NM_172352.3, NM_172355.3 and 2 more transcripts); c.*1321T>C (NM_153826.4, NM_172353.3, NM_172356.3 and 2 more transcripts); c.*1317T>C (NM_172350.3, NM_172358.3).
Identifiers: ClinVar variation 294989 (VCV000294989.6), dbSNP rs14374, ClinGen allele CA10608951.

ClinVar aggregate classification (germline): Benign. Review status: criteria provided, multiple submitters, no conflicts (2 of 4 stars). 2 submissions from 2 submitters: Benign (2). Last evaluated 2018-01-13.

Conditions:
Atypical hemolytic-uremic syndrome with MCP/CD46 anomaly. Also called: HEMOLYTIC UREMIC SYNDROME, ATYPICAL, SUSCEPTIBILITY TO, 2; AHUS, SUSCEPTIBILITY TO, 2. Identifiers: Orphanet 2134, MedGen C2752040, MONDO:0013040, OMIM 612922.

Allele frequency attached by ClinVar (database versions not stated): 1000 Genomes Project 30x 0.02389; gnomAD 0.03161 and 0.03177; 1000 Genomes Project 0.02416; TOPMed 0.02882.

Submissions (2):

Illumina Laboratory Services, Illumina
Classification: Benign for Atypical hemolytic-uremic syndrome with MCP/CD46 anomaly. Last evaluated: 2018-01-13. Review status: criteria provided, single submitter. Criteria: ICSL Variant Classification Criteria 13 December 2019. Collection method: clinical testing. Allele origin: germline.
Comment: This variant was observed in the ICSL laboratory as part of a predisposition screen in an ostensibly healthy population. It had not been previously curated by ICSL or reported in the Human Gene Mutation Database (HGMD: prior to June 1st, 2018), and was therefore a candidate for classification through an automated scoring system. Utilizing variant allele frequency, disease prevalence and penetrance estimates, and inheritance mode, an automated score was calculated to assess if this variant is too frequent to cause the disease. Based on the score and internal cut-off values, a variant classified as benign is not then subjected to further curation. The score for this variant resulted in a classification of benign for this disease.

Breakthrough Genomics
Classification: Benign. Review status: criteria provided, single submitter. Criteria: ACMG Guidelines, 2015. Collection method: not provided. Allele origin: germline. Inheritance: Autosomal recessive inheritance. Affected: yes.